The following is an entry in ClinVar:

ClinVar aggregate classification (germline): Uncertain significance (1 of 4 stars; one submission).

Conditions:
Hereditary spastic paraplegia 39 (SPG39). Also called: SPASTIC PARAPLEGIA 39, AUTOSOMAL RECESSIVE; Spastic Paraplegia Type 39 (SPG39). Identifiers: Orphanet 139480, MedGen C2677586, MONDO:0012787, OMIM 612020.

Submission:

Labcorp Genetics (formerly Invitae), Labcorp
Classification: Uncertain significance for Hereditary spastic paraplegia 39. Last evaluated: 2021-09-02. Review status: criteria provided, single submitter. Criteria: Invitae Variant Classification Sherloc (09022015). Collection method: clinical testing. Allele origin: germline.
Comment: This variant, c.46_69dup, results in the insertion of 8 amino acid(s) to the PNPLA6 protein (p.Gly16_Val23dup), but otherwise preserves the integrity of the reading frame. The frequency data for this variant in the population databases is considered unreliable, as metrics indicate poor data quality at this position in the ExAC database. This variant has not been reported in the literature in individuals affected with PNPLA6-related conditions. Experimental studies and prediction algorithms are not available or were not evaluated, and the functional significance of this variant is currently unknown. In summary, the available evidence is currently insufficient to determine the role of this variant in disease. Therefore, it has been classified as a Variant of Uncertain Significance.

NM_001166114.2(PNPLA6):c.163_186dup (p.Gly55_Val62dup)

Gene: PNPLA6 (patatin like domain 6, lysophospholipase; plus strand). Cytogenetic location: 19p13.2.
Variant type: Duplication.
Coding change: c.163_186dup on transcript NM_001166114.2 (MANE Select); coding-DNA positions 163 to 186, 24 bases duplicated (GGGGCCGGAGTGGCGGTGGTGGTC).
Protein change: p.Gly55_Val62dup.
Molecular consequence: inframe insertion.
Genome position (GRCh38, 1-based): chr19:7,535,951-7,535,974, GGGGCCGGAGTGGCGGTGGTGGTC duplicated; duplicating any 24 consecutive bases within chr19:7,535,949-7,535,974 gives the same sequence; the c. name uses the placement nearest the transcript's 3' end. VCF-style (leftmost placement, unchanged base first): chr19-7535948-A-ATCGGGGCCGGAGTGGCGGTGGTGG. GRCh37 (hg19) VCF-style: chr19-7600834-A-ATCGGGGCCGGAGTGGCGGTGGTGG.
Other names: c.190_213dup, p.Gly64_Val71dup (NM_001166111.2); c.46_69dup, p.Gly16_Val23dup (NM_001166112.2, NM_001166113.1, NM_006702.5).
Identifiers: ClinVar variation 1052610 (VCV001052610.6), dbSNP rs753682780, ClinGen allele CA9139346.
Genomic context (GRCh38, chr19:7,535,948, plus strand): 5'-GCGGGACGGATTTGCGGTGCGCAGCCAGTGCCGTTCGTCCCTCAGGTGCTTGGCGTGATG[A>ATCGGGGCCGGAGTGGCGGTGGTGG]TCGGGGCCGGAGTGGCGGTGGTGGTCACGGCCGTGCTCATCCTCCTGGTGGTGCGGAGGC-3'